The following is an entry in ClinVar:

NM_021625.5(TRPV4):c.2042G>A (p.Gly681Asp)

Gene: TRPV4 (transient receptor potential cation channel subfamily V member 4; minus strand). Cytogenetic location: 12q24.11.
Variant type: single nucleotide variant.
Coding change: c.2042G>A on transcript NM_021625.5 (MANE Select); coding-DNA position 2042, G replaced by A.
Protein change: p.Gly681Asp; replaces glycine 681 with aspartic acid.
Molecular consequence: missense variant.
Genome position (GRCh38, 1-based): chr12:109,788,566, C>T on the plus strand (G>A on the coding strand, the complement: TRPV4 is on the minus strand). VCF-style: chr12-109788566-C-T. GRCh37 (hg19) VCF-style: chr12-110226371-C-T.
Other names: c.1901G>A, p.Gly634Asp (NM_001177428.2); c.1940G>A, p.Gly647Asp (NM_001177431.2); c.1721G>A, p.Gly574Asp (NM_001177433.2); c.1862G>A, p.Gly621Asp (NM_147204.3); short protein forms G574D, G621D, G634D, G647D, G681D.
Identifiers: ClinVar variation 916861 (VCV000916861.9), dbSNP rs766420746, ClinGen allele CA6780029.

ClinVar aggregate classification (germline): Uncertain significance. Review status: criteria provided, multiple submitters, no conflicts (2 of 4 stars). 3 submissions from 3 submitters: Uncertain significance (3). Last evaluated 2024-07-03.

Conditions:
Charcot-Marie-Tooth disease. Also called: Charcot-Marie-Tooth Hereditary Neuropathy; Charcot-Marie-Tooth Neuropathy. Identifiers: Orphanet 166, MedGen C0007959, MONDO:0015626.
Inborn genetic diseases. Identifiers: MedGen C0950123, MeSH D030342.
Charcot-Marie-Tooth disease axonal type 2C (HMSN2C). Also called: Charcot-Marie-Tooth Disease Type 2, TRPV4-Related (CMT2C); CHARCOT-MARIE-TOOTH DISEASE, AXONAL, AUTOSOMAL DOMINANT, TYPE 2C; Charcot-Marie-Tooth Neuropathy Type 2C. Identifiers: Orphanet 99937, MedGen C1853710, MONDO:0011633, OMIM 606071.

Allele frequency attached by ClinVar (database versions not stated): gnomAD 0.00001; gnomAD exomes 0.00001 and 0.00002; TOPMed 0.00001; ExAC 0.00002.
gnomAD v4.1: 28 of 1,614,134 alleles (0.0017%); highest among the groups gnomAD compares: Non-Finnish European, 0.0023%; no homozygotes.

Submissions (3):

Labcorp Genetics (formerly Invitae), Labcorp
Classification: Uncertain significance for Charcot-Marie-Tooth disease axonal type 2C. Last evaluated: 2024-07-03. Review status: criteria provided, single submitter. Criteria: Invitae Variant Classification Sherloc (09022015). Collection method: clinical testing. Allele origin: germline.
Comment: This sequence change replaces glycine, which is neutral and non-polar, with aspartic acid, which is acidic and polar, at codon 681 of the TRPV4 protein (p.Gly681Asp). This variant is present in population databases (rs766420746, gnomAD 0.002%). This missense change has been observed in individual(s) with clinical features of Charcot-Marie-Tooth disease (PMID: 32376792). ClinVar contains an entry for this variant (Variation ID: 916861). Advanced modeling of protein sequence and biophysical properties (such as structural, functional, and spatial information, amino acid conservation, physicochemical variation, residue mobility, and thermodynamic stability) has been performed at Invitae for this missense variant, however the output from this modeling did not meet the statistical confidence thresholds required to predict the impact of this variant on TRPV4 protein function. In summary, the available evidence is currently insufficient to determine the role of this variant in disease. Therefore, it has been classified as a Variant of Uncertain Significance.

Ambry Genetics
Classification: Uncertain significance for Inborn genetic diseases. Last evaluated: 2019-10-15. Review status: criteria provided, single submitter. Criteria: Ambry Variant Classification Scheme 2023. Collection method: clinical testing. Allele origin: germline.
Comment: The p.G681D variant (also known as c.2042G>A), located in coding exon 12 of the TRPV4 gene, results from a G to A substitution at nucleotide position 2042. The glycine at codon 681 is replaced by aspartic acid, an amino acid with similar properties. This amino acid position is highly conserved in available vertebrate species. In addition, this alteration is predicted to be deleterious by in silico analysis. Since supporting evidence is limited at this time, the clinical significance of this alteration remains unclear.

Molecular Genetics Laboratory, London Health Sciences Centre
Classification: Uncertain significance for Charcot-Marie-Tooth disease. Review status: criteria provided, single submitter. Criteria: ACMG Guidelines, 2015. Collection method: clinical testing. Allele origin: germline. Affected: yes.

Literature cited by the submitters: PubMed 32376792 (cited by Labcorp Genetics (formerly Invitae), Labcorp).